The following is an entry in ClinVar:

ClinVar aggregate classification (germline): Uncertain significance (1 of 4 stars; one submission).

Allele frequency attached by ClinVar (database versions not stated): gnomAD exomes 0.00002 and 0.00004; ExAC 0.00003; TOPMed 0.00003.

Submission:

Labcorp Genetics (formerly Invitae), Labcorp
Classification: Uncertain significance. Last evaluated: 2025-05-21. Review status: criteria provided, single submitter. Criteria: Invitae Variant Classification Sherloc (09022015). Collection method: clinical testing. Allele origin: germline.
Comment: This variant, c.1180_1182dup, results in the insertion of 1 amino acid(s) of the EMC1 protein (p.Ser394dup), but otherwise preserves the integrity of the reading frame. This variant is present in population databases (rs758815632, gnomAD 0.03%). This variant has not been reported in the literature in individuals affected with EMC1-related conditions. ClinVar contains an entry for this variant (Variation ID: 958042). Experimental studies and prediction algorithms are not available or were not evaluated, and the functional significance of this variant is currently unknown. In summary, the available evidence is currently insufficient to determine the role of this variant in disease. Therefore, it has been classified as a Variant of Uncertain Significance.

NM_015047.3(EMC1):c.1180_1182dup (p.Ser394dup)

Genes: EMC1 (ER membrane protein complex subunit 1; minus strand), EMC1-AS1 (EMC1 antisense RNA 1; plus strand). Cytogenetic location: 1p36.13.
Variant type: Duplication.
Coding change: c.1180_1182dup on transcript NM_015047.3 (MANE Select); coding-DNA positions 1180 to 1182, 3 bases duplicated (AGC; older notation c.1180_1182dupAGC).
Protein change: p.Ser394dup; duplicates serine 394.
Molecular consequence: inframe insertion.
Genome position (GRCh38, 1-based): chr1:19,238,047-19,238,049, GCT duplicated on the plus strand (AGC on the coding strand, the reverse complement: EMC1 is on the minus strand). VCF-style (leftmost placement, unchanged base first): chr1-19238046-G-GGCT. GRCh37 (hg19) VCF-style: chr1-19564540-G-GGCT.
Other names: c.1177_1179dup, p.Ser393dup (NM_001271427.2, NM_001375821.1); c.1180_1182dup, p.Ser394dup (NM_001271428.2, NM_001375820.1); c.1114_1116dup, p.Ser372dup (NM_001271429.2).
Identifiers: ClinVar variation 958042 (VCV000958042.9), dbSNP rs758815632, ClinGen allele CA652645.